The following is an entry in ClinVar:

ClinVar aggregate classification (germline): Uncertain significance (1 of 4 stars; one submission).

Allele frequency attached by ClinVar (database versions not stated): gnomAD 0.00002.
gnomAD v4.1: 20 of 1,614,046 alleles (0.0012%); highest among the groups gnomAD compares: Admixed American, 0.0017%; no homozygotes.

Submission:

Labcorp Genetics (formerly Invitae), Labcorp
Classification: Uncertain significance. Last evaluated: 2025-05-05. Review status: criteria provided, single submitter. Criteria: Invitae Variant Classification Sherloc (09022015). Collection method: clinical testing. Allele origin: germline.
Comment: This sequence change replaces arginine, which is basic and polar, with cysteine, which is neutral and slightly polar, at codon 132 of the OPN1SW protein (p.Arg132Cys). This variant is present in population databases (no rsID available, gnomAD 0.007%). This variant has not been reported in the literature in individuals affected with OPN1SW-related conditions. ClinVar contains an entry for this variant (Variation ID: 2202747). Invitae Evidence Modeling of protein sequence and biophysical properties (such as structural, functional, and spatial information, amino acid conservation, physicochemical variation, residue mobility, and thermodynamic stability) indicates that this missense variant is expected to disrupt OPN1SW protein function with a positive predictive value of 95%. In summary, the available evidence is currently insufficient to determine the role of this variant in disease. Therefore, it has been classified as a Variant of Uncertain Significance.

NM_001385125.1(OPN1SW):c.385C>T (p.Arg129Cys)

Gene: OPN1SW (opsin 1, short wave sensitive; minus strand). Cytogenetic location: 7q32.1.
Variant type: single nucleotide variant.
Coding change: c.385C>T on transcript NM_001385125.1 (MANE Select); coding-DNA position 385, C replaced by T.
Protein change: p.Arg129Cys; replaces arginine 129 with cysteine.
Molecular consequence: missense variant.
Genome position (GRCh38, 1-based): chr7:128,775,113, G>A on the plus strand (C>T on the coding strand, the complement: OPN1SW is on the minus strand). VCF-style: chr7-128775113-G-A. GRCh37 (hg19) VCF-style: chr7-128415167-G-A.
Other names: short protein forms R129C.
Identifiers: ClinVar variation 2202747 (VCV002202747.4), dbSNP rs1160961990, ClinGen allele CA369220728.
Genomic context (GRCh38, chr7:128,775,113, plus strand): 5'-TCAGTGCATGCTTGGAGCTGAAGCGGAAGTTGCCGAAGGGCTTACAGATGACAATGTAGC[G>A]CTCAAAGGCCAGGAAGGCCAGTGACCATCCTGTAACCAGACCTGTGGTGAAATGTGAGGA-3'
Protein context (NP_001372054.1, residues 119-139): GWSLAFLAFE[Arg129Cys]YIVICKPFGN